The following is an entry in ClinVar:

NM_032119.4(ADGRV1):c.2984_2985del (p.Leu995fs)

Gene: ADGRV1 (adhesion G protein-coupled receptor V1; plus strand). Cytogenetic location: 5q14.3.
Variant type: Deletion.
Coding change: c.2984_2985del on transcript NM_032119.4 (MANE Select); coding-DNA positions 2984 to 2985, 2 bases deleted (TG; older notation c.2984_2985delTG).
Protein change: p.Leu995fs; shifts the reading frame from leucine 995.
Molecular consequence: frameshift variant. On other transcripts: non-coding transcript variant (1).
Genome position (GRCh38, 1-based): chr5:90,646,053-90,646,054, TG deleted. VCF-style (leftmost placement, unchanged base first): chr5-90646052-CTG-C. GRCh37 (hg19) VCF-style: chr5-89941869-CTG-C.
Other names: short protein forms L995fs.
Identifiers: ClinVar variation 1424567 (VCV001424567.6), dbSNP rs2149441532, ClinGen allele CA2573140100.
Genomic context (GRCh38, chr5:90,646,052, plus strand): 5'-ACCGTTATCCTACTGAATGGCACTGGAGGAGCTAAAGTGGGAAATAGAACAACTGCAACT[CTG>C]AGGATTAGAAGAAATGATGACCCCATTTATTTTGCAGGTGGTATTGCTGTCTTATTTGAA-3'

ClinVar aggregate classification (germline): Pathogenic (1 of 4 stars; one submission).

Submission:

Labcorp Genetics (formerly Invitae), Labcorp
Classification: Pathogenic. Last evaluated: 2021-02-28. Review status: criteria provided, single submitter. Criteria: Invitae Variant Classification Sherloc (09022015). Collection method: clinical testing. Allele origin: germline.
Comment: For these reasons, this variant has been classified as Pathogenic. This variant has not been reported in the literature in individuals with ADGRV1-related conditions. This variant is not present in population databases (ExAC no frequency). This sequence change creates a premature translational stop signal (p.Leu995Glnfs*3) in the ADGRV1 gene. It is expected to result in an absent or disrupted protein product. Loss-of-function variants in ADGRV1 are known to be pathogenic (PMID: 19357117, 22135276, 22147658, 26667666, 30029497).

Literature cited by the submitters: PubMed 19357117; PubMed 22135276; PubMed 22147658; PubMed 26667666; PubMed 30029497.